The following is an entry in ClinVar:

ClinVar aggregate classification (germline): Uncertain significance (1 of 4 stars; one submission).

Submission:

Labcorp Genetics (formerly Invitae), Labcorp
Classification: Uncertain significance. Last evaluated: 2023-10-13. Review status: criteria provided, single submitter. Criteria: Invitae Variant Classification Sherloc (09022015). Collection method: clinical testing. Allele origin: germline.
Comment: This sequence change falls in intron 5 of the FRAS1 gene. It does not directly change the encoded amino acid sequence of the FRAS1 protein. This variant is not present in population databases (gnomAD no frequency). This variant has not been reported in the literature in individuals affected with FRAS1-related conditions. ClinVar contains an entry for this variant (Variation ID: 2019955). Algorithms developed to predict the effect of sequence changes on RNA splicing suggest that this variant may disrupt the consensus splice site. In summary, the available evidence is currently insufficient to determine the role of this variant in disease. Therefore, it has been classified as a Variant of Uncertain Significance.

NM_025074.7(FRAS1):c.470-15T>C

Gene: FRAS1 (Fraser extracellular matrix complex subunit 1; plus strand). Cytogenetic location: 4q21.21.
Variant type: single nucleotide variant.
Coding change: c.470-15T>C on transcript NM_025074.7 (MANE Select); 15 bases into the intron before coding-DNA position 470, T replaced by C.
Molecular consequence: intron variant.
Genome position (GRCh38, 1-based): chr4:78,255,227, T>C. VCF-style: chr4-78255227-T-C. GRCh37 (hg19) VCF-style: chr4-79176381-T-C.
Other names: c.470-15T>C (NM_001166133.2).
Identifiers: ClinVar variation 2019955 (VCV002019955.4), dbSNP rs2476518256, ClinGen allele CA2580071807.
Genomic context (GRCh38, chr4:78,255,227, plus strand): 5'-TGCACGCCCATGCAGTCAGCCCTGGGATCAACAAATGCCATCCCCCTAGTAATCCTTGTT[T>C]CTTTGACCTTCCAGAACCCTGTTCCTATGAAGGCCATGTGTTTCAGGATGGGGAGGACTG-3'